The following is an entry in ClinVar:

ClinVar aggregate classification (germline): Pathogenic. Review status: reviewed by expert panel (3 of 4 stars). 3 submissions from 3 submitters: Pathogenic (1). 2 of the submissions do not count toward it. Last evaluated 2017-12-15.

Conditions:
Breast-ovarian cancer, familial, susceptibility to, 2 (BROVCA2). Also called: BRCA2 Hereditary Breast and Ovarian Cancer. Identifiers: Orphanet 145, MedGen C2675520, MONDO:0012933, OMIM 612555. Disease mechanism: loss of function.
Breast-ovarian cancer, familial, susceptibility to, 1 (BROVCA1). Also called: OVARIAN CANCER, SUSCEPTIBILITY TO; BRCA1 Hereditary Breast and Ovarian Cancer. Identifiers: Orphanet 145, MedGen C2676676, MONDO:0011450, OMIM 604370. Disease mechanism: loss of function.
Familial cancer of breast. Also called: Hereditary breast cancer; hereditary breast carcinoma; BREAST CANCER, FAMILIAL. Identifiers: Orphanet 227535, MedGen C0346153, MONDO:0016419, OMIM 114480. Disease mechanism: loss of function.

Submissions (3):

Evidence-based Network for the Interpretation of Germline Mutant Alleles (ENIGMA)
Classification: Pathogenic for Breast-ovarian cancer, familial, susceptibility to, 2. Last evaluated: 2017-12-15. Review status: reviewed by expert panel. Criteria: ENIGMA BRCA1/2 Classification Criteria (2017-06-29). Collection method: curation. Allele origin: germline. Study: ENIGMA.
Comment: Variant allele predicted to encode a truncated non-functional protein.

Department of Molecular Diagnostics, Institute of Oncology Ljubljana
Classification: Pathogenic for Breast-ovarian cancer, familial, susceptibility to, 1. Last evaluated: 2020-04-02. Review status: criteria provided, single submitter. Criteria: ACMG Guidelines, 2015. Collection method: clinical testing. Allele origin: germline. Affected: yes. Not counted in ClinVar's aggregate classification.

ClinVar Staff, National Center for Biotechnology Information (NCBI)
No classification provided. Condition: Familial cancer of breast. Review status: no classification provided. Collection method: literature only. Allele origin: germline. Affected: yes. Not counted in ClinVar's aggregate classification.

Literature cited by the submitters: PubMed 21232165 (cited by ClinVar Staff, National Center for Biotechnology Information (NCBI)).

NM_000059.4(BRCA2):c.775A>T (p.Arg259Ter)

Gene: BRCA2 (BRCA2 DNA repair associated; plus strand). Cytogenetic location: 13q13.1.
Variant type: single nucleotide variant.
Coding change: c.775A>T on transcript NM_000059.4 (MANE Select); coding-DNA position 775, A replaced by T.
Protein change: p.Arg259Ter; replaces arginine 259 with a stop codon.
Molecular consequence: nonsense.
Genome position (GRCh38, 1-based): chr13:32,331,012, A>T. VCF-style: chr13-32331012-A-T. GRCh37 (hg19) VCF-style: chr13-32905149-A-T.
Other names: short protein forms R259*.
Identifiers: ClinVar variation 52402 (VCV000052402.4), dbSNP rs397507937, ClinGen allele CA025262.
Genomic context (GRCh38, chr13:32,331,012, plus strand): 5'-AGTCTGAAGAAAAATGATAGATTTATCGCTTCTGTGACAGACAGTGAAAACACAAATCAA[A>T]GAGAAGCTGCAAGTCATGGTAAGTCCTCTGTTTAGTTGAACTACAGGTTTTTTTGTTGTT-3'